The following is an entry in ClinVar:

NM_005591.4(MRE11):c.694C>G (p.Gln232Glu)

Gene: MRE11 (MRE11 double strand break repair nuclease; minus strand). Cytogenetic location: 11q21.
Variant type: single nucleotide variant.
Coding change: c.694C>G on transcript NM_005591.4 (MANE Select); coding-DNA position 694, C replaced by G.
Protein change: p.Gln232Glu; replaces glutamine 232 with glutamic acid.
Molecular consequence: missense variant.
Genome position (GRCh38, 1-based): chr11:94,471,725, G>C on the plus strand (C>G on the coding strand, the complement: MRE11 is on the minus strand). VCF-style: chr11-94471725-G-C. GRCh37 (hg19) VCF-style: chr11-94204891-G-C.
Other names: c.694C>G, p.Gln232Glu (NM_001440463.1, NM_001440464.1, NM_001440465.1 and 18 more transcripts); c.619C>G, p.Gln207Glu (NM_001440471.1, NM_001440472.1, NM_001440479.1); c.349C>G, p.Gln117Glu (NM_001440482.1, NM_001440483.1, NM_001440484.1); c.226C>G, p.Gln76Glu (NM_001440485.1, NM_001440486.1, NM_001440487.1); short protein forms Q207E, Q232E, Q117E, Q76E.
Identifiers: ClinVar variation 4710961 (VCV004710961.1).
Genomic context (GRCh38, chr11:94,471,725, plus strand): 5'-CTATTTTACACTCATGTTCATGGCCCCAGATAACAAGATCAATGAAGTCATCCAAAAATT[G>C]TTCTGGAATGAAGTTAGTACTTCCATGTTTACTCCTGTATCAAGATTTTGAAAAATATAA-3'
Protein context (NP_005582.1, residues 222-242): KHGSTNFIPE[Gln232Glu]FLDDFIDLVI

ClinVar aggregate classification (germline): Uncertain significance (1 of 4 stars; one submission).

Conditions:
Ataxia-telangiectasia-like disorder (ATLD). Identifiers: MedGen C1858391, MONDO:0011457.

Submission:

Labcorp Genetics (formerly Invitae), Labcorp
Classification: Uncertain significance for Ataxia-telangiectasia-like disorder. Last evaluated: 2025-12-15. Review status: criteria provided, single submitter. Criteria: Invitae Variant Classification Sherloc (09022015). Collection method: clinical testing. Allele origin: germline.
Comment: This sequence change replaces glutamine, which is neutral and polar, with glutamic acid, which is acidic and polar, at codon 232 of the MRE11 protein (p.Gln232Glu). This variant is not present in population databases (gnomAD no frequency). This variant has not been reported in the literature in individuals affected with MRE11-related conditions. An algorithm developed to predict the effect of missense changes on protein structure and function (PolyPhen-2) suggests that this variant is likely to be tolerated. In summary, the available evidence is currently insufficient to determine the role of this variant in disease. Therefore, it has been classified as a Variant of Uncertain Significance.